The following is an entry in ClinVar:

ClinVar aggregate classification (germline): Likely benign (0 of 4 stars; one submission).

Conditions:
ATP13A4-related disorder. Also called: ATP13A4-related condition.

Allele frequency attached by ClinVar (database versions not stated): ExAC 0.00001; gnomAD 0.00002; TOPMed 0.00002; gnomAD exomes 0.00003; ESP Exome Variant Server 0.00008.
gnomAD v4.1: 54 of 1,614,044 alleles (0.0033%); highest among the groups gnomAD compares: Non-Finnish European, 0.0044%; no homozygotes.

Submission:

PreventionGenetics, part of Exact Sciences
Classification: Likely benign for ATP13A4-related condition. Last evaluated: 2019-06-28. Review status: no assertion criteria provided. Collection method: clinical testing. Allele origin: germline.
Comment: This variant is classified as likely benign based on ACMG/AMP sequence variant interpretation guidelines (Richards et al. 2015 PMID: 25741868, with internal and published modifications).

NM_032279.4(ATP13A4):c.840G>A (p.Leu280=)

Gene: ATP13A4 (ATPase 13A4; minus strand). Cytogenetic location: 3q29.
Variant type: single nucleotide variant.
Coding change: c.840G>A on transcript NM_032279.4 (MANE Select); coding-DNA position 840, G replaced by A.
Protein change: p.Leu280=; no amino-acid change (leucine 280 retained).
Molecular consequence: synonymous variant.
Genome position (GRCh38, 1-based): chr3:193,470,962, C>T on the plus strand (G>A on the coding strand, the complement: ATP13A4 is on the minus strand). VCF-style: chr3-193470962-C-T. GRCh37 (hg19) VCF-style: chr3-193188751-C-T.
Identifiers: ClinVar variation 3043527 (VCV003043527.2), dbSNP rs372614216, ClinGen allele CA2758584.